The following is an entry in ClinVar:

ClinVar aggregate classification (germline): Uncertain significance. Review status: criteria provided, multiple submitters, no conflicts (2 of 4 stars). 2 submissions from 2 submitters: Uncertain significance (2). Last evaluated 2025-09-15.

Conditions:
Cardiovascular phenotype. Identifiers: MedGen CN230736.

gnomAD v4.1: 27 of 1,550,834 alleles (0.0017%); highest among the groups gnomAD compares: South Asian, 0.0024%; no homozygotes.

Submissions (2):

Labcorp Genetics (formerly Invitae), Labcorp
Classification: Uncertain significance. Last evaluated: 2025-09-15. Review status: criteria provided, single submitter. Criteria: Invitae Variant Classification Sherloc (09022015). Collection method: clinical testing. Allele origin: germline.
Comment: This sequence change replaces arginine, which is basic and polar, with tryptophan, which is neutral and slightly polar, at codon 3850 of the ZNF469 protein (p.Arg3850Trp). This variant is present in population databases (no rsID available, gnomAD 0.009%). This variant has not been reported in the literature in individuals affected with ZNF469-related conditions. ClinVar contains an entry for this variant (Variation ID: 1734838). An algorithm developed to predict the effect of missense changes on protein structure and function (PolyPhen-2) suggests that this variant is likely to be disruptive. In summary, the available evidence is currently insufficient to determine the role of this variant in disease. Therefore, it has been classified as a Variant of Uncertain Significance.

Ambry Genetics
Classification: Uncertain significance for Cardiovascular phenotype. Last evaluated: 2024-09-17. Review status: criteria provided, single submitter. Criteria: Ambry Variant Classification Scheme 2023. Collection method: clinical testing. Allele origin: germline.
Comment: The p.R3850W variant (also known as c.11548C>T), located in coding exon 2 of the ZNF469 gene, results from a C to T substitution at nucleotide position 11548. The arginine at codon 3850 is replaced by tryptophan, an amino acid with dissimilar properties. This amino acid position is conserved. In addition, this alteration is predicted to be tolerated by in silico analysis. Since supporting evidence is limited at this time, the clinical significance of this alteration remains unclear.

NM_001367624.2(ZNF469):c.11632C>T (p.Arg3878Trp)

Gene: ZNF469 (zinc finger protein 469; plus strand). Cytogenetic location: 16q24.2.
Variant type: single nucleotide variant.
Coding change: c.11632C>T on transcript NM_001367624.2 (MANE Select); coding-DNA position 11632, C replaced by T.
Protein change: p.Arg3878Trp; replaces arginine 3878 with tryptophan.
Molecular consequence: missense variant.
Genome position (GRCh38, 1-based): chr16:88,439,102, C>T. VCF-style: chr16-88439102-C-T. GRCh37 (hg19) VCF-style: chr16-88505510-C-T.
Other names: NM_001127464.1:c.11548C>T; short protein forms R3878W.
Identifiers: ClinVar variation 1734838 (VCV001734838.6), dbSNP rs754381335, ClinGen allele CA397130762.